The following is an entry in ClinVar:

NM_206933.4(USH2A):c.1173T>A (p.Ser391Arg)

Gene: USH2A (usherin; minus strand). Cytogenetic location: 1q41.
Variant type: single nucleotide variant.
Coding change: c.1173T>A on transcript NM_206933.4 (MANE Select); coding-DNA position 1173, T replaced by A.
Protein change: p.Ser391Arg; replaces serine 391 with arginine.
Molecular consequence: missense variant.
Genome position (GRCh38, 1-based): chr1:216,324,323, A>T on the plus strand (T>A on the coding strand, the complement: USH2A is on the minus strand). VCF-style: chr1-216324323-A-T. GRCh37 (hg19) VCF-style: chr1-216497665-A-T.
Other names: c.1173T>A, p.Ser391Arg (NM_007123.6); short protein forms S391R.
Identifiers: ClinVar variation 2115757 (VCV002115757.5), dbSNP rs529153604, ClinGen allele CA1396581.

ClinVar aggregate classification (germline): Likely pathogenic. Review status: criteria provided, multiple submitters, no conflicts (2 of 4 stars). 2 submissions from 2 submitters: Likely pathogenic (2). Last evaluated 2025-07-03.

Conditions:
Retinitis pigmentosa 39 (RP39). Identifiers: Orphanet 791, MedGen C3151138, MONDO:0013436, OMIM 613809.

Allele frequency attached by ClinVar (database versions not stated): gnomAD 0.00001; ExAC 0.00002; 1000 Genomes Project 0.00020; 1000 Genomes Project 30x 0.00016.
gnomAD v4.1: 1 of 1,612,516 alleles (0.000062%); highest among the groups gnomAD compares: East Asian, 0.0022%; no homozygotes.

Submissions (2):

Labcorp Genetics (formerly Invitae), Labcorp
Classification: Likely pathogenic. Last evaluated: 2025-07-03. Review status: criteria provided, single submitter. Criteria: Invitae Variant Classification Sherloc (09022015). Collection method: clinical testing. Allele origin: germline.
Comment: This sequence change replaces serine, which is neutral and polar, with arginine, which is basic and polar, at codon 391 of the USH2A protein (p.Ser391Arg). This variant is present in population databases (rs529153604, gnomAD 0.01%). This missense change has been observed in individual(s) with Usher syndrome (PMID: 24944099). ClinVar contains an entry for this variant (Variation ID: 2115757). Invitae Evidence Modeling of protein sequence and biophysical properties (such as structural, functional, and spatial information, amino acid conservation, physicochemical variation, residue mobility, and thermodynamic stability) has been performed for this missense variant. However, the output from this modeling did not meet the statistical confidence thresholds required to predict the impact of this variant on USH2A protein function. This variant disrupts the p.Ser391 amino acid residue in USH2A. Other variant(s) that disrupt this residue have been determined to be pathogenic (internal data). This suggests that this residue is clinically significant, and that variants that disrupt this residue are likely to be disease-causing. In summary, the currently available evidence indicates that the variant is pathogenic, but additional data are needed to prove that conclusively. Therefore, this variant has been classified as Likely Pathogenic.

SingHealth Duke-NUS Institute of Precision Medicine
Classification: Likely pathogenic for Retinitis pigmentosa 39. Last evaluated: 2025-02-05. Review status: criteria provided, single submitter. Criteria: PRISM ACMG Classification Criteria. Collection method: clinical testing. Allele origin: germline. Affected: yes.
Comment: Variant is located in a mutational hotspot where >50% of variants are pathogenic (PM1). Variant is not found in gnomAD genomes, and homozygous allele count in gnomAD exomes is less than 0 (PM2). Other variant at this amino acid residue is classified as pathogenic/likely pathogenic (PM5, p.Ser391Ile). REVEL score is 0.739 (PP3).

Literature cited by the submitters: PubMed 24944099 (cited by Labcorp Genetics (formerly Invitae), Labcorp).